The following is an entry in ClinVar:

ClinVar aggregate classification (germline): Likely benign (1 of 4 stars; one submission).

Submission:

GeneDx
Classification: Likely benign. Last evaluated: 2019-10-23. Review status: criteria provided, single submitter. Criteria: GeneDx Variant Classification Process June 2021. Collection method: clinical testing. Allele origin: germline. Affected: yes.
Comment: See Variant Classification Assertion Criteria.

NM_152705.3(POLR1D):c.*50del

Genes: POLR1D (RNA polymerase I and III subunit D; plus strand), LOC147380392 (uncharacterized LOC147380392; plus strand). Cytogenetic location: 13q12.2.
Variant type: Deletion.
Coding change: c.*50del on transcript NM_152705.3; 50 bases downstream of the stop codon, one base deleted (G; older notation c.*50delG).
Molecular consequence: 3 prime UTR variant.
Genome position (GRCh38, 1-based): chr13:27,666,003, G deleted; the last of 4 consecutive G bases (chr13:27,666,000-27,666,003); deleting any one gives the same sequence. VCF-style (leftmost placement, unchanged base first): chr13-27665999-CG-C. GRCh37 (hg19) VCF-style: chr13-28240136-CG-C.
Other names: c.*50del (NM_001206559.2).
Identifiers: ClinVar variation 2575718 (VCV002575718.1), dbSNP rs557482249, ClinGen allele CA6927409.
Genomic context (GRCh38, chr13:27,665,999, plus strand): 5'-TCCAACCGGCGGTGAGGCTGGAACCAGGGCCAGCCAGCCCTGCGGGCCTCCGTGCTCCTT[CG>C]GGGTGCGGTGTGCGGAGAAGGCCTGAGCTGGCAGGGCAAACACCTGAGAGTGACTTTGAC-3'